The following is an entry in ClinVar:

NM_001321120.2(TBX4):c.1088G>C (p.Gly363Ala)

Gene: TBX4 (T-box transcription factor 4; plus strand). Cytogenetic location: 17q23.2.
Variant type: single nucleotide variant.
Coding change: c.1088G>C on transcript NM_001321120.2 (MANE Select); coding-DNA position 1088, G replaced by C.
Protein change: p.Gly363Ala; replaces glycine 363 with alanine.
Molecular consequence: missense variant.
Genome position (GRCh38, 1-based): chr17:61,482,963, G>C. VCF-style: chr17-61482963-G-C. GRCh37 (hg19) VCF-style: chr17-59560324-G-C.
Other names: c.1085G>C, p.Gly362Ala (NM_018488.3); short protein forms G362A, G363A.
Identifiers: ClinVar variation 4800911 (VCV004800911.1).
Genomic context (GRCh38, chr17:61,482,963, plus strand): 5'-GTACCCGCCACCTGGACTTACCTTGCAAGCGATCCTATCTGGAAGCCCCCTCTTCGGTGG[G>C]GGAGGATCACTATTTCCGTTCCCCCCCTCCCTACGACCAGCAAATGCTGAGCCCCTCCTA-3'
Protein context (NP_001308049.1, residues 353-373): RSYLEAPSSV[Gly363Ala]EDHYFRSPPP

ClinVar aggregate classification (germline): Uncertain significance (1 of 4 stars; one submission).

Submission:

Labcorp Genetics (formerly Invitae), Labcorp
Classification: Uncertain significance. Last evaluated: 2025-03-07. Review status: criteria provided, single submitter. Criteria: Invitae Variant Classification Sherloc (09022015). Collection method: clinical testing. Allele origin: germline.
Comment: This sequence change replaces glycine, which is neutral and non-polar, with alanine, which is neutral and non-polar, at codon 362 of the TBX4 protein (p.Gly362Ala). This variant is not present in population databases (gnomAD no frequency). This variant has not been reported in the literature in individuals affected with TBX4-related conditions. Invitae Evidence Modeling of protein sequence and biophysical properties (such as structural, functional, and spatial information, amino acid conservation, physicochemical variation, residue mobility, and thermodynamic stability) indicates that this missense variant is not expected to disrupt TBX4 protein function with a negative predictive value of 95%. In summary, the available evidence is currently insufficient to determine the role of this variant in disease. Therefore, it has been classified as a Variant of Uncertain Significance.